The following is an entry in ClinVar:

ClinVar aggregate classification (germline): Uncertain significance. Review status: criteria provided, multiple submitters, no conflicts (2 of 4 stars). 4 submissions from 4 submitters: Uncertain significance (4). Last evaluated 2024-10-26.

Conditions:
Inborn genetic diseases. Identifiers: MedGen C0950123, MeSH D030342.
Intellectual developmental disorder, X-linked, syndromic, Hedera type. Also called: Syndromic X-linked intellectual disability Hedera type. Identifiers: Orphanet 93952, MedGen C1845543, MONDO:0010319, OMIM 300423.

Allele frequency attached by ClinVar (database versions not stated): TOPMed 0.00001; ExAC 0.00002; gnomAD exomes 0.00003; gnomAD 0.00005.
gnomAD v4.1: 21 of 1,203,340 alleles (0.0017%); highest among the groups gnomAD compares: Middle Eastern, 0.023%; no homozygotes.

Submissions (4):

Ambry Genetics
Classification: Uncertain significance for Inborn genetic diseases. Last evaluated: 2024-10-26. Review status: criteria provided, single submitter. Criteria: Ambry Variant Classification Scheme 2023. Collection method: clinical testing. Allele origin: germline.

Labcorp Genetics (formerly Invitae), Labcorp
Classification: Uncertain significance for Intellectual developmental disorder, X-linked, syndromic, Hedera type. Last evaluated: 2024-02-17. Review status: criteria provided, single submitter. Criteria: Invitae Variant Classification Sherloc (09022015). Collection method: clinical testing. Allele origin: germline.
Comment: This sequence change replaces serine, which is neutral and polar, with arginine, which is basic and polar, at codon 105 of the ATP6AP2 protein (p.Ser105Arg). This variant is present in population databases (rs745748841, gnomAD 0.007%). This variant has not been reported in the literature in individuals affected with ATP6AP2-related conditions. ClinVar contains an entry for this variant (Variation ID: 204917). Advanced modeling of protein sequence and biophysical properties (such as structural, functional, and spatial information, amino acid conservation, physicochemical variation, residue mobility, and thermodynamic stability) performed at Invitae indicates that this missense variant is not expected to disrupt ATP6AP2 protein function with a negative predictive value of 80%. In summary, the available evidence is currently insufficient to determine the role of this variant in disease. Therefore, it has been classified as a Variant of Uncertain Significance.

GeneDx
Classification: Uncertain significance. Last evaluated: 2014-09-18. Review status: criteria provided, single submitter. Criteria: GeneDx Variant Classification (06012015). Collection method: clinical testing. Allele origin: germline. Affected: yes.
Comment: p.Ser105Arg (AGT>AGG): c.315 T>G in exon 4 of the ATP6AP2 gene (NM_005765.2). A variant of unknown significance has been identified in the ATP6AP2 gene. The S105R variant has not been published as a mutation, nor has it been reported as a benign polymorphism to our knowledge. It was not observed in approximately 6,500 individuals of European and African American ancestry in the NHLBI Exome Sequencing Project, indicating it is not a common benign variant in these populations. The S105R variant is a semi-conservative amino acid substitution, which may impact secondary protein structure as these residues differ in some properties. This substitution occurs at a position that is conserved through mammals. In silico analysis is inconsistent in its predictions as to whether or not the variant is damaging to the protein structure/function. Therefore, based on the currently available information, it is unclear whether this variant is a pathogenic mutation or a rare benign variant.The variant is found in INFANT-EPI panel(s).

Breakthrough Genomics
Classification: Uncertain significance. Review status: criteria provided, single submitter. Criteria: ACMG Guidelines, 2015. Collection method: not provided. Allele origin: germline. Inheritance: X-linked recessive inheritance. Affected: yes.

NM_005765.3(ATP6AP2):c.315T>G (p.Ser105Arg)

Gene: ATP6AP2 (ATPase H+ transporting accessory protein 2; plus strand). Cytogenetic location: Xp11.4.
Variant type: single nucleotide variant.
Coding change: c.315T>G on transcript NM_005765.3 (MANE Select); coding-DNA position 315, T replaced by G.
Protein change: p.Ser105Arg; replaces serine 105 with arginine.
Molecular consequence: missense variant.
Genome position (GRCh38, 1-based): chrX:40,597,263, T>G. VCF-style: chrX-40597263-T-G. GRCh37 (hg19) VCF-style: chrX-40456515-T-G.
Other names: p.S105R:AGT>AGG; short protein forms S105R.
Identifiers: ClinVar variation 204917 (VCV000204917.15), dbSNP rs745748841, ClinGen allele CA313363.